The following is an entry in ClinVar:

ClinVar aggregate classification (germline): Uncertain significance (1 of 4 stars; one submission).

Conditions:
Kabuki syndrome. Also called: NIIKAWA-KUROKI SYNDROME; Kabuki make-up syndrome. Identifiers: Orphanet 2322, MedGen C0796004, MONDO:0016512.

Allele frequency attached by ClinVar (database versions not stated): gnomAD exomes below 0.00001; TOPMed below 0.00001.
gnomAD v4.1: 1 of 1,613,914 alleles (0.000062%); highest among the groups gnomAD compares: Non-Finnish European, 0.000085%; no homozygotes.

Submission:

Labcorp Genetics (formerly Invitae), Labcorp
Classification: Uncertain significance for Kabuki syndrome. Last evaluated: 2022-03-02. Review status: criteria provided, single submitter. Criteria: Invitae Variant Classification Sherloc (09022015). Collection method: clinical testing. Allele origin: germline.
Comment: In summary, the available evidence is currently insufficient to determine the role of this variant in disease. Therefore, it has been classified as a Variant of Uncertain Significance. Advanced modeling of protein sequence and biophysical properties (such as structural, functional, and spatial information, amino acid conservation, physicochemical variation, residue mobility, and thermodynamic stability) performed at Invitae indicates that this missense variant is not expected to disrupt KMT2D protein function. This variant has not been reported in the literature in individuals affected with KMT2D-related conditions. This variant is not present in population databases (gnomAD no frequency). This sequence change replaces proline, which is neutral and non-polar, with serine, which is neutral and polar, at codon 1191 of the KMT2D protein (p.Pro1191Ser).

NM_003482.4(KMT2D):c.3571C>T (p.Pro1191Ser)

Genes: KMT2D (lysine methyltransferase 2D; minus strand), LOC126861520 (CDK7 strongly-dependent group 2 enhancer GRCh37_chr12:49442744-49443943; plus strand). Cytogenetic location: 12q13.12.
Variant type: single nucleotide variant.
Coding change: c.3571C>T on transcript NM_003482.4 (MANE Select); coding-DNA position 3571, C replaced by T.
Protein change: p.Pro1191Ser; replaces proline 1191 with serine.
Molecular consequence: missense variant.
Genome position (GRCh38, 1-based): chr12:49,050,017, G>A on the plus strand (C>T on the coding strand, the complement: KMT2D is on the minus strand). VCF-style: chr12-49050017-G-A. GRCh37 (hg19) VCF-style: chr12-49443800-G-A.
Other names: short protein forms P1191S.
Identifiers: ClinVar variation 1418902 (VCV001418902.8), dbSNP rs1565813066, ClinGen allele CA384656390.